The following is an entry in ClinVar:

NM_000528.4(MAN2B1):c.1022C>T (p.Ala341Val)

Gene: MAN2B1 (mannosidase alpha class 2B member 1; minus strand). Cytogenetic location: 19p13.13.
Variant type: single nucleotide variant.
Coding change: c.1022C>T on transcript NM_000528.4 (MANE Select); coding-DNA position 1022, C replaced by T.
Protein change: p.Ala341Val; replaces alanine 341 with valine.
Molecular consequence: missense variant.
Genome position (GRCh38, 1-based): chr19:12,661,264, G>A on the plus strand (C>T on the coding strand, the complement: MAN2B1 is on the minus strand). VCF-style: chr19-12661264-G-A. GRCh37 (hg19) VCF-style: chr19-12772078-G-A.
Other names: c.1022C>T, p.Ala341Val (NM_001173498.2); short protein forms A341V.
Identifiers: ClinVar variation 1365271 (VCV001365271.3), dbSNP rs574049175, ClinGen allele CA9226638.
Genomic context (GRCh38, chr19:12,661,264, plus strand): 5'-GCCCCCGGATGCAAGCGCACATGTGCACAAGGGTACCACAGGGTAGGCGCACTGACCTGC[G>A]CATTTACCAGCCGGATGAGCTTGTCAAGGTTCTTGAACCACATGTTGGCATTCTCATATT-3'
Protein context (NP_000519.2, residues 331-351): NLDKLIRLVN[Ala341Val]QQAKGSSVHV

ClinVar aggregate classification (germline): Uncertain significance (1 of 4 stars; one submission).

Conditions:
Deficiency of alpha-mannosidase (MANSA). Also called: Mannosidosis, alpha-, types I and II; LYSOSOMAL ALPHA-D-MANNOSIDASE DEFICIENCY; Alpha-Mannosidosis. Identifiers: Orphanet 61, MedGen C0024748, MONDO:0009561, OMIM 248500.

Allele frequency attached by ClinVar (database versions not stated): TOPMed 0.00001; ExAC 0.00002; gnomAD exomes 0.00002; gnomAD 0.00003; 1000 Genomes Project 30x 0.00016; 1000 Genomes Project 0.00020.
gnomAD v4.1: 32 of 1,611,304 alleles (0.002%); highest among the groups gnomAD compares: Admixed American, 0.005%; no homozygotes.

Submission:

Labcorp Genetics (formerly Invitae), Labcorp
Classification: Uncertain significance for Deficiency of alpha-mannosidase. Last evaluated: 2022-04-18. Review status: criteria provided, single submitter. Criteria: Invitae Variant Classification Sherloc (09022015). Collection method: clinical testing. Allele origin: germline.
Comment: This sequence change replaces alanine, which is neutral and non-polar, with valine, which is neutral and non-polar, at codon 341 of the MAN2B1 protein (p.Ala341Val). This variant is present in population databases (rs574049175, gnomAD 0.003%). This variant has not been reported in the literature in individuals affected with MAN2B1-related conditions. Algorithms developed to predict the effect of missense changes on protein structure and function (SIFT, PolyPhen-2, Align-GVGD) all suggest that this variant is likely to be tolerated. In summary, the available evidence is currently insufficient to determine the role of this variant in disease. Therefore, it has been classified as a Variant of Uncertain Significance.